The following is an entry in ClinVar:

NM_004415.4(DSP):c.4657G>A (p.Asp1553Asn)

Gene: DSP (desmoplakin; plus strand). Cytogenetic location: 6p24.3.
Variant type: single nucleotide variant.
Coding change: c.4657G>A on transcript NM_004415.4 (MANE Select); coding-DNA position 4657, G replaced by A.
Protein change: p.Asp1553Asn; replaces aspartic acid 1553 with asparagine.
Molecular consequence: missense variant. On other transcripts: intron variant (2).
Genome position (GRCh38, 1-based): chr6:7,580,847, G>A. VCF-style: chr6-7580847-G-A. GRCh37 (hg19) VCF-style: chr6-7581080-G-A.
Other names: c.4050+607G>A (NM_001319034.2); c.3582+1075G>A (NM_001008844.3); short protein forms D1553N.
Identifiers: ClinVar variation 180329 (VCV000180329.23), dbSNP rs730880084, ClinGen allele CA004136.

ClinVar aggregate classification (germline): Conflicting classifications of pathogenicity. Review status: criteria provided, conflicting classifications (1 of 4 stars). 5 submissions from 5 submitters: Uncertain significance (4); Likely benign (1). Last evaluated 2025-01-29.

Conditions:
Cardiovascular phenotype. Identifiers: MedGen CN230736.
Arrhythmogenic cardiomyopathy with wooly hair and keratoderma. Also called: Dilated cardiomyopathy with woolly hair and keratoderma; PALMOPLANTAR KERATODERMA WITH LEFT VENTRICULAR CARDIOMYOPATHY AND WOOLLY HAIR; Carvajal syndrome; Arrhythmogenic cardiomyopathy with woolly hair and keratoderma. Identifiers: Orphanet 65282, MedGen C1854063, MONDO:0011581, OMIM 605676.
Arrhythmogenic right ventricular dysplasia 8 (ARVD8). Also called: Arrhythmogenic Right Ventricular Dysplasia/Cardiomyopathy 8; ARRHYTHMOGENIC RIGHT VENTRICULAR DYSPLASIA, FAMILIAL, 8; ARRHYTHMOGENIC RIGHT VENTRICULAR CARDIOMYOPATHY 8. Identifiers: MedGen C1843896, MONDO:0011831, OMIM 607450.
Cardiomyopathy (CMYO). Also called: Cardiomyopathies. Identifiers: Orphanet 167848, MedGen C0878544, MONDO:0004994, HP:0001638. Inheritance: Various modes of inheritance.

Allele frequency attached by ClinVar (database versions not stated): ExAC 0.00003; TOPMed 0.00001; gnomAD exomes 0.00002.
gnomAD v4.1: 15 of 1,614,148 alleles (0.00093%); highest among the groups gnomAD compares: East Asian, 0.018%; no homozygotes.

Submissions (5):

Labcorp Genetics (formerly Invitae), Labcorp
Classification: Likely benign for Arrhythmogenic cardiomyopathy with wooly hair and keratoderma; Arrhythmogenic right ventricular dysplasia 8. Last evaluated: 2025-01-29. Review status: criteria provided, single submitter. Criteria: Invitae Variant Classification Sherloc (09022015). Collection method: clinical testing. Allele origin: germline.

All of Us Research Program, National Institutes of Health
Classification: Uncertain significance for Arrhythmogenic cardiomyopathy with wooly hair and keratoderma. Last evaluated: 2024-05-14. Review status: criteria provided, single submitter. Criteria: ACMG Guidelines, 2015. Collection method: clinical testing. Allele origin: germline. Inheritance: Autosomal dominant inheritance. Observed: 2 variant alleles, 2 heterozygotes.
Comment: This missense variant replaces aspartic acid with asparagine at codon 1553 of the DSP protein. Computational prediction suggests that this variant may not impact protein structure and function (internally defined REVEL score threshold <= 0.5, PMID: 27666373). To our knowledge, functional studies have not been reported for this variant. This variant has not been reported in individuals affected with cardiovascular disorders in the literature. This variant has been identified in 5/250174 chromosomes in the general population by the Genome Aggregation Database (gnomAD). The available evidence is insufficient to determine the role of this variant in disease conclusively. Therefore, this variant is classified as a Variant of Uncertain Significance.

This study involves interpretation of variants in research participants for the purpose of population health screening. Participant phenotype was not available at the time of variant classification. Additional details can be found in publication PMID: 35346344, PMCID: PMC8962531

Color Diagnostics, LLC DBA Color Health
Classification: Uncertain significance for Cardiomyopathy. Last evaluated: 2024-03-06. Review status: criteria provided, single submitter. Criteria: ACMG Guidelines, 2015. Collection method: clinical testing. Allele origin: germline.
Comment: This missense variant replaces aspartic acid with asparagine at codon 1553 of the DSP protein. Computational prediction suggests that this variant may not impact protein structure and function (internally defined REVEL score threshold <= 0.5, PMID: 27666373). To our knowledge, functional studies have not been reported for this variant. This variant has not been reported in individuals affected with cardiovascular disorders in the literature. This variant has been identified in 5/250174 chromosomes in the general population by the Genome Aggregation Database (gnomAD). The available evidence is insufficient to determine the role of this variant in disease conclusively. Therefore, this variant is classified as a Variant of Uncertain Significance.

Ambry Genetics
Classification: Uncertain significance for Cardiovascular phenotype. Last evaluated: 2023-08-13. Review status: criteria provided, single submitter. Criteria: Ambry Variant Classification Scheme 2023. Collection method: clinical testing. Allele origin: germline.
Comment: The p.D1553N variant (also known as c.4657G>A), located in coding exon 23 of the DSP gene, results from a G to A substitution at nucleotide position 4657. The aspartic acid at codon 1553 is replaced by asparagine, an amino acid with highly similar properties. This amino acid position is conserved. In addition, this alteration is predicted to be tolerated by in silico analysis. Since supporting evidence is limited at this time, the clinical significance of this alteration remains unclear.

Laboratory for Molecular Medicine, Mass General Brigham Personalized Medicine
Classification: Uncertain significance. Last evaluated: 2015-06-23. Review status: criteria provided, single submitter. Criteria: LMM Criteria. Collection method: clinical testing. Allele origin: germline. Observed: 1 variant allele.
Comment: The p.Asp1553Asn variant in DSP has not been previously reported in individuals with cardiomyopathy, but has been identified in 2/8602 East Asian chromosomes by the Exome Aggregation Consortium (ExAC; dbSNP r s730880084). Computational prediction tools and conservation analysis do not pro vide strong support for or against an impact to the protein. In summary, the cli nical significance of the p.Asp1553Asn variant is uncertain.